The following is an entry in ClinVar:

ClinVar aggregate classification (germline): Pathogenic. Review status: criteria provided, multiple submitters, no conflicts (2 of 4 stars). 10 submissions from 10 submitters: Pathogenic (9). 1 of the submissions does not count toward it. Last evaluated 2025-07-23.

Conditions:
Cobalamin C disease. Also called: Methylmalonic aciduria and homocystinuria, Vitamin B12-responsive; Vitamin B12 metabolic defect with combined deficiency of methylmalonyl-CoA mutase and homocysteine:methyltetrahydrofolate methyltransferase; methylmalonic aciduria and homocystinuria type cblC; Methylmalonic aciduria with homocystinuria cblC type; Cobalamin-C methylmalonic acidemia and homocystinuria; Methylmalonic acidemia and homocystinuria cblC type. Identifiers: Orphanet 26, Orphanet 79282, MedGen C1848561, MONDO:0010184, OMIM 277400.
MMACHC-related disorder. Also called: MMACHC-related condition.

Allele frequency attached by ClinVar (database versions not stated): TOPMed below 0.00001; gnomAD 0.00001; gnomAD exomes 0.00001 and 0.00003; ExAC 0.00005; 1000 Genomes Project 30x 0.00016; 1000 Genomes Project 0.00020.
gnomAD v4.1: 17 of 1,614,154 alleles (0.0011%); highest among the groups gnomAD compares: South Asian, 0.0022%; no homozygotes.

Submissions (10):

Labcorp Genetics (formerly Invitae), Labcorp
Classification: Pathogenic for Cobalamin C disease. Last evaluated: 2025-07-23. Review status: criteria provided, single submitter. Criteria: Invitae Variant Classification Sherloc (09022015). Collection method: clinical testing. Allele origin: germline.
Comment: This sequence change creates a premature translational stop signal (p.Tyr222*) in the MMACHC gene. While this is not anticipated to result in nonsense mediated decay, it is expected to disrupt the last 61 amino acid(s) of the MMACHC protein. This variant is present in population databases (rs201266016, gnomAD 0.006%). This premature translational stop signal has been observed in individuals with methylmalonic aciduria and homocystinuria (PMID: 16311595, 19767224, 30157807). ClinVar contains an entry for this variant (Variation ID: 496436). For these reasons, this variant has been classified as Pathogenic.

GeneDx
Classification: Pathogenic. Last evaluated: 2025-04-28. Review status: criteria provided, single submitter. Criteria: GeneDx Variant Classification Process June 2021. Collection method: clinical testing. Allele origin: germline. Affected: yes.
Comment: Nonsense variant predicted to result in protein truncation, as the last 61 amino acids are lost, and other loss-of-function variants have been reported downstream in HGMD; Not observed at significant frequency in large population cohorts (gnomAD); This variant is associated with the following publications: (PMID: 31503356, 22447314, 31470807, 31998365, 31589614, 32943488, 26825575, 18164228, 19370762, 34215320, 34102818, 33691766, 35361390, 28481040, 16311595, 33473346, 30157807, 38167091, 19767224)

Revvity Omics, Revvity
Classification: Pathogenic for Cobalamin C disease. Last evaluated: 2024-09-16. Review status: criteria provided, single submitter. Criteria: ACMG Guidelines, 2015. Collection method: clinical testing. Allele origin: germline.

Natera, Inc.
Classification: Pathogenic for Methylmalonic aciduria and homocystinuria cblC type. Last evaluated: 2024-04-23. Review status: criteria provided, single submitter. Criteria: Natera Variant Classification Schema (03/2026). Collection method: clinical testing. Allele origin: germline.
Comment: The c.666C>A variant in MMACHC is a nonsense variant predicted to introduce a stop codon at amino acid 222. This variant is expected to result in nonsense mediated decay, truncation, or a dysfunctional protein product. This variant is rare in the general population with a frequency below the threshold expected for the associated phenotype(s). This variant has been observed in one or more individuals affected with the associated recessive disease, as either homozygous or compound heterozygous with a second variant (PMID: 18164228). Given the available evidence, this variant is classified as Pathogenic.

Blueprint Genetics
Classification: Pathogenic for MMACHC-related disorders. Last evaluated: 2023-11-07. Review status: criteria provided, single submitter. Criteria: ACMG Guidelines, 2015. Collection method: clinical testing. Allele origin: germline. Affected: yes. Observed: 3 variant alleles.

Genome-Nilou Lab
Classification: Pathogenic for Cobalamin C disease. Last evaluated: 2023-04-11. Review status: criteria provided, single submitter. Criteria: ACMG Guidelines, 2015. Collection method: clinical testing. Allele origin: germline. Affected: no.

Fulgent Genetics
Classification: Pathogenic for Cobalamin C disease. Last evaluated: 2021-09-17. Review status: criteria provided, single submitter. Criteria: ACMG Guidelines, 2015. Collection method: clinical testing. Allele origin: unknown.

Genetics and Molecular Pathology, SA Pathology
Classification: Pathogenic for Cobalamin C disease. Last evaluated: 2019-12-30. Review status: criteria provided, single submitter. Criteria: ACMG Guidelines, 2015. Collection method: clinical testing. Allele origin: germline. Affected: yes.

Women's Health and Genetics/Laboratory Corporation of America, LabCorp
Classification: Pathogenic for Cobalamin C disease. Last evaluated: 2017-08-21. Review status: criteria provided, single submitter. Criteria: LabCorp Variant Classification Summary - May 2015. Collection method: clinical testing. Allele origin: germline.
Comment: Variant summary: The MMACHC c.666C>A (p.Tyr222X) variant results in a premature termination codon, predicted to cause a truncated or absent MMACHC protein due to nonsense mediated decay, which are commonly known mechanisms for disease. MutationTaster predicts a damaging outcome for this variant. This variant was found in the large control database ExAC and control cohorts from the literature at a frequency of 0.0000496 (6/120940 control chromosomes), which does not exceed the estimated maximal expected allele frequency of a pathogenic MMACHC variant (0.0030542). The variant has been identified in numerous patients who were homozygous or compound heterozygous with a known mutation, several of whom were reported as having an early onset of disease. Taken together, this variant is classified as pathogenic.

Counsyl
Classification: Pathogenic for Cobalamin C disease. Last evaluated: 2017-05-15. Review status: no assertion criteria provided. Collection method: clinical testing. Allele origin: unknown. Not counted in ClinVar's aggregate classification.

Literature cited by the submitters: PubMed 16311595 (cited by 3 submitters); PubMed 19767224 (cited by Labcorp Genetics (formerly Invitae), Labcorp); PubMed 30157807 (cited by Labcorp Genetics (formerly Invitae), Labcorp); PubMed 18164228 (cited by Natera, Inc. and Women's Health and Genetics/Laboratory Corporation of America, LabCorp); PubMed 19370762 (cited by Women's Health and Genetics/Laboratory Corporation of America, LabCorp and Counsyl); PubMed 26825575 (cited by Counsyl); PubMed 22447314 (cited by Counsyl).

NM_015506.3(MMACHC):c.666C>A (p.Tyr222Ter)

Genes: MMACHC (metabolism of cobalamin associated C; plus strand), LOC129930446 (ATAC-STARR-seq lymphoblastoid active region 972; plus strand). Cytogenetic location: 1p34.1.
Variant type: single nucleotide variant.
Coding change: c.666C>A on transcript NM_015506.3 (MANE Select); coding-DNA position 666, C replaced by A.
Protein change: p.Tyr222Ter; replaces tyrosine 222 with a stop codon.
Molecular consequence: nonsense.
Genome position (GRCh38, 1-based): chr1:45,509,032, C>A. VCF-style: chr1-45509032-C-A. GRCh37 (hg19) VCF-style: chr1-45974704-C-A.
Other names: c.495C>A, p.Tyr165Ter (NM_001330540.2); short protein forms Y222*, Y165*.
Identifiers: ClinVar variation 496436 (VCV000496436.27), dbSNP rs201266016, ClinGen allele CA827827.